The following is an entry in ClinVar:

ClinVar aggregate classification (germline): Pathogenic (1 of 4 stars; one submission).

Conditions:
Combined oxidative phosphorylation defect type 14. Also called: Combined oxidative phosphorylation deficiency 14. Identifiers: Orphanet 319519, MedGen C4755312, MONDO:0013986, OMIM 614946.

Submission:

Labcorp Genetics (formerly Invitae), Labcorp
Classification: Pathogenic for Combined oxidative phosphorylation defect type 14. Last evaluated: 2023-05-15. Review status: criteria provided, single submitter. Criteria: Invitae Variant Classification Sherloc (09022015). Collection method: clinical testing. Allele origin: germline.
Comment: For these reasons, this variant has been classified as Pathogenic. This variant disrupts a region of the FARS2 protein in which other variant(s) (p.Gly309Ser) have been determined to be pathogenic (PMID: 28043061, 28419689, 30177229). This suggests that this is a clinically significant region of the protein, and that variants that disrupt it are likely to be disease-causing. This variant has not been reported in the literature in individuals affected with FARS2-related conditions. This variant is a gross deletion of the genomic region encompassing exon(s) 4-6 of the FARS2 gene. While this deletion is not anticipated to lead to nonsense mediated decay, it is expected to disrupt the C-terminus of the protein.

Literature cited by the submitters: PubMed 28043061; PubMed 28419689; PubMed 30177229.

NC_000006.11:g.(?_5431254)_(5653711_?)del

Gene: FARS2 (phenylalanyl-tRNA synthetase 2, mitochondrial; plus strand). Cytogenetic location: 6p25.1.
Variant type: Deletion.
Identifiers: ClinVar variation 1460186 (VCV001460186.4).